The following is an entry in ClinVar:

ClinVar aggregate classification (germline): Uncertain significance. Review status: criteria provided, multiple submitters, no conflicts (2 of 4 stars). 8 submissions from 4 submitters: Uncertain significance (8). Last evaluated 2026-08-03.

Conditions:
TTN-related disorder. Also called: TTN-related condition; TTN-related disease; TTN-related disorders.
Myopathy, myofibrillar, 9, with early respiratory failure (MFM9). Also called: Myopathy, distal, with early respiratory failure, autosomal dominant; Hereditary myopathy with early respiratory failure; EDSTROM MYOPATHY; MYOPATHY, PROXIMAL, WITH EARLY RESPIRATORY MUSCLE INVOLVEMENT. Identifiers: Orphanet 178464, Orphanet 34521, MedGen C1863599, MONDO:0011362, OMIM 603689.
Autosomal recessive limb-girdle muscular dystrophy type 2J (LGMDR10). Also called: MUSCULAR DYSTROPHY, LIMB-GIRDLE, AUTOSOMAL RECESSIVE 10; Limb-girdle muscular dystrophy, type 2J. Identifiers: Orphanet 140922, MedGen C1837342, MONDO:0012127, OMIM 608807.
Early-onset myopathy with fatal cardiomyopathy (CMYO5). Also called: CONGENITAL MYOPATHY 5 WITH CARDIOMYOPATHY; Salih Myopathy. Identifiers: Orphanet 289377, MedGen C2673677, MONDO:0012714, OMIM 611705. Disease mechanism: loss of function.
Tibial muscular dystrophy (TMD). Also called: UDD MYOPATHY; Udd Distal Myopathy – Tibial Muscular Dystrophy; Tibial muscular dystrophy, tardive. Identifiers: Orphanet 609, MedGen C1838244, MONDO:0010870, OMIM 600334.
Dilated cardiomyopathy 1G (CMD1G). Identifiers: Orphanet 154, MedGen C1858763, MONDO:0011400, OMIM 604145.

Allele frequency attached by ClinVar (database versions not stated): gnomAD exomes below 0.00001 and 0.00001; ExAC 0.00001; TOPMed 0.00005; gnomAD 0.00007.
gnomAD v4.1: 15 of 1,611,526 alleles (0.00093%); highest among the groups gnomAD compares: African/African-American, 0.011%; no homozygotes.

Submissions (8):

PreventionGenetics, part of Exact Sciences
Classification: Uncertain significance for TTN-related condition. Last evaluated: 2026-08-03. Review status: criteria provided, single submitter. Criteria: ACMG Guidelines, 2015. Collection method: clinical testing. Allele origin: germline.
Comment: The TTN c.88954G>A variant is predicted to result in the amino acid substitution p.Val29652Ile. To our knowledge, this variant has not been reported in the literature. This variant is reported in 0.0041% of alleles in individuals of African descent in gnomAD. At this time, the clinical significance of this variant is uncertain due to the absence of conclusive functional and genetic evidence.

GeneDx
Classification: Uncertain significance. Last evaluated: 2023-03-05. Review status: criteria provided, single submitter. Criteria: GeneDx Variant Classification Process June 2021. Collection method: clinical testing. Allele origin: germline. Affected: yes.
Comment: Not observed at significant frequency in large population cohorts (gnomAD); Missense variant in a gene in which most reported pathogenic variants are truncating/loss of function; Located in the A-band region of TTN in which the majority of loss of function variants have been associated with autosomal dominant titinopathies (Herman et al., 2012); Has not been previously published as pathogenic or benign to our knowledge; This variant is associated with the following publications: (PMID: 23975875)

Revvity Omics, Revvity
Classification: Uncertain significance. Last evaluated: 2022-05-19. Review status: criteria provided, single submitter. Criteria: ACMG Guidelines, 2015. Collection method: clinical testing. Allele origin: germline.

Illumina Laboratory Services, Illumina
Classification: Uncertain significance for Myopathy, myofibrillar, 9, with early respiratory failure. Last evaluated: 2018-01-12. Review status: criteria provided, single submitter. Criteria: ICSL Variant Classification Criteria 13 December 2019. Collection method: clinical testing. Allele origin: germline.

Illumina Laboratory Services, Illumina
Classification: Uncertain significance for Autosomal recessive limb-girdle muscular dystrophy type 2J. Last evaluated: 2018-01-12. Review status: criteria provided, single submitter. Criteria: ICSL Variant Classification Criteria 13 December 2019. Collection method: clinical testing. Allele origin: germline.

Illumina Laboratory Services, Illumina
Classification: Uncertain significance for Tibial muscular dystrophy. Last evaluated: 2018-01-12. Review status: criteria provided, single submitter. Criteria: ICSL Variant Classification Criteria 13 December 2019. Collection method: clinical testing. Allele origin: germline.

Illumina Laboratory Services, Illumina
Classification: Uncertain significance for Dilated cardiomyopathy 1G. Last evaluated: 2018-01-12. Review status: criteria provided, single submitter. Criteria: ICSL Variant Classification Criteria 13 December 2019. Collection method: clinical testing. Allele origin: germline.

Illumina Laboratory Services, Illumina
Classification: Uncertain significance for Early-onset myopathy with fatal cardiomyopathy. Last evaluated: 2018-01-12. Review status: criteria provided, single submitter. Criteria: ICSL Variant Classification Criteria 13 December 2019. Collection method: clinical testing. Allele origin: germline.

NM_001267550.2(TTN):c.88954G>A (p.Val29652Ile)

Genes: TTN (titin; minus strand), TTN-AS1 (TTN antisense RNA 1; plus strand). Cytogenetic location: 2q31.2.
Variant type: single nucleotide variant.
Coding change: c.88954G>A on transcript NM_001267550.2 (MANE Select); coding-DNA position 88954, G replaced by A.
Protein change: p.Val29652Ile; replaces valine 29652 with isoleucine.
Molecular consequence: missense variant.
Genome position (GRCh38, 1-based): chr2:178,554,157, C>T on the plus strand (G>A on the coding strand, the complement: TTN is on the minus strand). VCF-style: chr2-178554157-C-T. GRCh37 (hg19) VCF-style: chr2-179418884-C-T.
Other names: c.88954G>A (NM_001267550.1); c.84031G>A, p.Val28011Ile (NM_001256850.1); c.61759G>A, p.Val20587Ile (NM_003319.4); c.81250G>A, p.Val27084Ile (NM_133378.4); c.62134G>A, p.Val20712Ile (NM_133432.3); c.62335G>A, p.Val20779Ile (NM_133437.4); short protein forms V20587I, V28011I, V29652I, V20712I, V20779I, V27084I.
Identifiers: ClinVar variation 892614 (VCV000892614.11), dbSNP rs756561910, ClinGen allele CA1988009.